The following is an entry in ClinVar:

ClinVar aggregate classification (germline): Pathogenic (1 of 4 stars; one submission).

Conditions:
Carnitine palmitoyltransferase II deficiency. Also called: Carnitine Palmitoyltransferase 2 Deficiency. Identifiers: Orphanet 157, MedGen C0342790, MONDO:0015515.

Submission:

Labcorp Genetics (formerly Invitae), Labcorp
Classification: Pathogenic for Carnitine palmitoyltransferase II deficiency. Last evaluated: 2025-09-05. Review status: criteria provided, single submitter. Criteria: Invitae Variant Classification Sherloc (09022015). Collection method: clinical testing. Allele origin: germline.
Comment: This sequence change creates a premature translational stop signal (p.Asp608*) in the CPT2 gene. While this is not anticipated to result in nonsense mediated decay, it is expected to disrupt the last 51 amino acid(s) of the CPT2 protein. This variant is not present in population databases (gnomAD no frequency). This variant has not been reported in the literature in individuals affected with CPT2-related conditions. This variant disrupts a region of the CPT2 protein in which other variant(s) (p.Glu645Argfs*5) have been determined to be pathogenic (PMID: 17936304, 21913903). This suggests that this is a clinically significant region of the protein, and that variants that disrupt it are likely to be disease-causing. For these reasons, this variant has been classified as Pathogenic.

Literature cited by the submitters: PubMed 17936304; PubMed 21913903.

NM_000098.3(CPT2):c.1821dup (p.Asp608Ter)

Gene: CPT2 (carnitine palmitoyltransferase 2; plus strand). Cytogenetic location: 1p32.3.
Variant type: Duplication.
Coding change: c.1821dup on transcript NM_000098.3 (MANE Select); coding-DNA position 1821, one base duplicated (T; older notation c.1821dupT).
Protein change: p.Asp608Ter; replaces aspartic acid 608 with a stop codon.
Molecular consequence: nonsense.
Genome position (GRCh38, 1-based): chr1:53,213,439, T duplicated. VCF-style (leftmost placement, unchanged base first): chr1-53213438-C-CT. GRCh37 (hg19) VCF-style: chr1-53679110-C-CT.
Other names: c.1752dup, p.Asp585Ter (NM_001330589.2); short protein forms D585*, D608*.
Identifiers: ClinVar variation 4726674 (VCV004726674.1).
Genomic context (GRCh38, chr1:53,213,438, plus strand): 5'-TGTCCACGAGCACACTGAGCAGCCCAGCAGTGAACCTTGGGGGCTTTGCCCCTGTGGTCT[C>CT]TGATGGCTTTGGTGTTGGGTATGCTGTTCATGACAACTGGATAGGCTGCAATGTCTCTTC-3'